The following is an entry in ClinVar:

ClinVar aggregate classification (germline): Uncertain significance. Review status: criteria provided, multiple submitters, no conflicts (2 of 4 stars). 2 submissions from 2 submitters: Uncertain significance (2). Last evaluated 2021-08-27.

Conditions:
Temtamy preaxial brachydactyly syndrome (TPBS). Identifiers: Orphanet 363417, MedGen C1854466, MONDO:0011533, OMIM 605282.
Inborn genetic diseases. Identifiers: MedGen C0950123, MeSH D030342.

Allele frequency attached by ClinVar (database versions not stated): gnomAD exomes 0.00006; ExAC 0.00007; TOPMed 0.00012; gnomAD 0.00014; 1000 Genomes Project 0.00020; ESP Exome Variant Server 0.00023; 1000 Genomes Project 30x 0.00062.
gnomAD v4.1: 153 of 1,614,058 alleles (0.0095%); highest among the groups gnomAD compares: African/African-American, 0.028%; no homozygotes.

Submissions (2):

Labcorp Genetics (formerly Invitae), Labcorp
Classification: Uncertain significance for Temtamy preaxial brachydactyly syndrome. Last evaluated: 2021-08-27. Review status: criteria provided, single submitter. Criteria: Invitae Variant Classification Sherloc (09022015). Collection method: clinical testing. Allele origin: germline.
Comment: This sequence change replaces arginine with tryptophan at codon 244 of the CHSY1 protein (p.Arg244Trp). The arginine residue is moderately conserved and there is a moderate physicochemical difference between arginine and tryptophan. This variant is present in population databases (rs74040399, ExAC 0.02%). This variant has not been reported in the literature in individuals affected with CHSY1-related conditions. Algorithms developed to predict the effect of missense changes on protein structure and function (SIFT, PolyPhen-2, Align-GVGD) all suggest that this variant is likely to be disruptive. In summary, the available evidence is currently insufficient to determine the role of this variant in disease. Therefore, it has been classified as a Variant of Uncertain Significance.

Ambry Genetics
Classification: Uncertain significance for Inborn genetic diseases. Last evaluated: 2021-07-14. Review status: criteria provided, single submitter. Criteria: Ambry Variant Classification Scheme 2023. Collection method: clinical testing. Allele origin: germline.

NM_014918.5(CHSY1):c.730C>T (p.Arg244Trp)

Gene: CHSY1 (chondroitin sulfate synthase 1; minus strand). Cytogenetic location: 15q26.3.
Variant type: single nucleotide variant.
Coding change: c.730C>T on transcript NM_014918.5 (MANE Select); coding-DNA position 730, C replaced by T.
Protein change: p.Arg244Trp; replaces arginine 244 with tryptophan.
Molecular consequence: missense variant.
Genome position (GRCh38, 1-based): chr15:101,235,168, G>A on the plus strand (C>T on the coding strand, the complement: CHSY1 is on the minus strand). VCF-style: chr15-101235168-G-A. GRCh37 (hg19) VCF-style: chr15-101775373-G-A.
Other names: short protein forms R244W.
Identifiers: ClinVar variation 646047 (VCV000646047.7), dbSNP rs74040399, ClinGen allele CA7762666.
Genomic context (GRCh38, chr15:101,235,168, plus strand): 5'-CTGCAAACCTCCGGACACACCTTCCCACCTCCACGTCCTCATGGGTGGTGTACATCTCCC[G>A]GAGACACTTGCCAATGTGCGGCACCATTCTCCGAAGCACCTCCCGGCTCATGATCACGCC-3'
Protein context (NP_055733.2, residues 234-254): RMVPHIGKCL[Arg244Trp]EMYTTHEDVE